The following is an entry in ClinVar:

NM_000179.3(MSH6):c.3623C>G (p.Ser1208Cys)

Gene: MSH6 (mutS homolog 6; plus strand). Cytogenetic location: 2p16.3.
Variant type: single nucleotide variant.
Coding change: c.3623C>G on transcript NM_000179.3 (MANE Select); coding-DNA position 3623, C replaced by G.
Protein change: p.Ser1208Cys; replaces serine 1208 with cysteine.
Molecular consequence: missense variant.
Genome position (GRCh38, 1-based): chr2:47,805,684, C>G. VCF-style: chr2-47805684-C-G. GRCh37 (hg19) VCF-style: chr2-48032823-C-G.
Other names: c.3233C>G, p.Ser1078Cys (NM_001281492.2); c.2717C>G, p.Ser906Cys (NM_001281493.2, NM_001281494.2); short protein forms S906C, S1208C, S1078C.
Identifiers: ClinVar variation 824003 (VCV000824003.10), dbSNP rs1572742021, ClinGen allele CA346760591.
Genomic context (GRCh38, chr2:47,805,684, plus strand): 5'-GTACATTTTTTGTTGAATTAAGTGAAACTGCCAGCATACTCATGCATGCAACAGCACATT[C>G]TCTGGTGCTTGTGGATGAATTAGGTAAGACATTAAACTTCTCATTTGAAGACTATCTATC-3'
Protein context (NP_000170.1, residues 1198-1218): ASILMHATAH[Ser1208Cys]LVLVDELGRG

ClinVar aggregate classification (germline): Uncertain significance. Review status: criteria provided, multiple submitters, no conflicts (2 of 4 stars). 3 submissions from 3 submitters: Uncertain significance (3). Last evaluated 2025-07-31.

Conditions:
Hereditary cancer-predisposing syndrome. Also called: Neoplastic Syndromes, Hereditary; Tumor predisposition; Hereditary neoplastic syndrome; Hereditary Cancer Syndrome. Identifiers: Orphanet 140162, MedGen C0027672, MeSH D009386, MONDO:0015356.
Hereditary nonpolyposis colorectal neoplasms. Identifiers: MedGen C0009405, MeSH D003123.

gnomAD v4.1: 1 of 1,611,078 alleles (0.000062%); no homozygotes.

Submissions (3):

Color Diagnostics, LLC DBA Color Health
Classification: Uncertain significance for Hereditary cancer-predisposing syndrome. Last evaluated: 2025-07-31. Review status: criteria provided, single submitter. Criteria: ACMG Guidelines, 2015. Collection method: clinical testing. Allele origin: germline.
Comment: This missense variant replaces serine with cysteine at codon 1208 of the MSH6 protein. Computational prediction suggests that this variant may have deleterious impact on protein structure and function. To our knowledge, functional studies have not been reported for this variant. This variant has not been reported in individuals affected with MSH6-related disorders in the literature. This variant has not been identified in the general population by the Genome Aggregation Database (gnomAD). The available evidence is insufficient to determine the role of this variant in disease conclusively. Therefore, this variant is classified as a Variant of Uncertain Significance.

Labcorp Genetics (formerly Invitae), Labcorp
Classification: Uncertain significance for Hereditary nonpolyposis colorectal neoplasms. Last evaluated: 2024-06-22. Review status: criteria provided, single submitter. Criteria: Invitae Variant Classification Sherloc (09022015). Collection method: clinical testing. Allele origin: germline.
Comment: This sequence change replaces serine, which is neutral and polar, with cysteine, which is neutral and slightly polar, at codon 1208 of the MSH6 protein (p.Ser1208Cys). This variant is not present in population databases (gnomAD no frequency). This variant has not been reported in the literature in individuals affected with MSH6-related conditions. ClinVar contains an entry for this variant (Variation ID: 824003). Advanced modeling of protein sequence and biophysical properties (such as structural, functional, and spatial information, amino acid conservation, physicochemical variation, residue mobility, and thermodynamic stability) performed at Invitae indicates that this missense variant is expected to disrupt MSH6 protein function with a positive predictive value of 95%. In summary, the available evidence is currently insufficient to determine the role of this variant in disease. Therefore, it has been classified as a Variant of Uncertain Significance.

Ambry Genetics
Classification: Uncertain significance for Hereditary cancer-predisposing syndrome. Last evaluated: 2022-03-21. Review status: criteria provided, single submitter. Criteria: Ambry Variant Classification Scheme 2023. Collection method: clinical testing. Allele origin: germline.
Comment: The p.S1208C variant (also known as c.3623C>G), located in coding exon 7 of the MSH6 gene, results from a C to G substitution at nucleotide position 3623. The serine at codon 1208 is replaced by cysteine, an amino acid with dissimilar properties. This amino acid position is highly conserved in available vertebrate species. In addition, this alteration is predicted to be deleterious by in silico analysis. Since supporting evidence is limited at this time, the clinical significance of this alteration remains unclear.